The following is an entry in ClinVar:

ClinVar aggregate classification (germline): Uncertain significance (1 of 4 stars; one submission).

Conditions:
Hereditary cancer-predisposing syndrome. Also called: Hereditary neoplastic syndrome; Neoplastic Syndromes, Hereditary; Tumor predisposition; Hereditary Cancer Syndrome. Identifiers: Orphanet 140162, MedGen C0027672, MeSH D009386, MONDO:0015356.

Submission:

Ambry Genetics
Classification: Uncertain significance for Hereditary cancer-predisposing syndrome. Last evaluated: 2025-08-03. Review status: criteria provided, single submitter. Criteria: Ambry Variant Classification Scheme 2023. Collection method: clinical testing. Allele origin: germline.
Comment: The p.C933R variant (also known as c.2797T>C), located in coding exon 8 of the PALB2 gene, results from a T to C substitution at nucleotide position 2797. The cysteine at codon 933 is replaced by arginine, an amino acid with highly dissimilar properties. This amino acid position is conserved. In addition, the in silico prediction for this alteration is inconclusive. Based on the available evidence, the clinical significance of this variant remains unclear.

NM_024675.4(PALB2):c.2797T>C (p.Cys933Arg)

Gene: PALB2 (partner and localizer of BRCA2; minus strand). Cytogenetic location: 16p12.2.
Variant type: single nucleotide variant.
Coding change: c.2797T>C on transcript NM_024675.4 (MANE Select); coding-DNA position 2797, T replaced by C.
Protein change: p.Cys933Arg; replaces cysteine 933 with arginine.
Molecular consequence: missense variant.
Genome position (GRCh38, 1-based): chr16:23,624,046, A>G on the plus strand (T>C on the coding strand, the complement: PALB2 is on the minus strand). VCF-style: chr16-23624046-A-G. GRCh37 (hg19) VCF-style: chr16-23635367-A-G.
Other names: c.2737T>C, p.Cys913Arg (NM_001407296.1); c.2725T>C, p.Cys909Arg (NM_001407297.1); c.2635T>C, p.Cys879Arg (NM_001407298.1, NM_001407302.1); c.2797T>C, p.Cys933Arg (NM_001407299.1, NM_001407300.1, NM_001407301.1); c.1912T>C, p.Cys638Arg (NM_001407304.1, NM_001407305.1, NM_001407306.1 and 4 more transcripts); c.1750T>C, p.Cys584Arg (NM_001407307.1); c.1009T>C, p.Cys337Arg (NM_001407312.1, NM_001407313.1); c.331T>C, p.Cys111Arg (NM_001407314.1); short protein forms C933R, C111R, C584R, C638R, C913R, C337R, C879R, C909R.
Identifiers: ClinVar variation 4130341 (VCV004130341.1).